The following is an entry in ClinVar:

NM_001077653.2(TBX20):c.748G>T (p.Glu250Ter)

Gene: TBX20 (T-box transcription factor 20; minus strand). Cytogenetic location: 7p14.2.
Variant type: single nucleotide variant.
Coding change: c.748G>T on transcript NM_001077653.2 (MANE Select); coding-DNA position 748, G replaced by T.
Protein change: p.Glu250Ter; replaces glutamic acid 250 with a stop codon.
Molecular consequence: nonsense.
Genome position (GRCh38, 1-based): chr7:35,240,944, C>A on the plus strand (G>T on the coding strand, the complement: TBX20 is on the minus strand). VCF-style: chr7-35240944-C-A. GRCh37 (hg19) VCF-style: chr7-35280556-C-A.
Other names: c.748G>T, p.Glu250Ter (NM_001166220.1); short protein forms E250*.
Identifiers: ClinVar variation 2068981 (VCV002068981.4), dbSNP rs2546993203, ClinGen allele CA367264023.

ClinVar aggregate classification (germline): Pathogenic (1 of 4 stars; one submission).

Submission:

Labcorp Genetics (formerly Invitae), Labcorp
Classification: Pathogenic. Last evaluated: 2024-01-24. Review status: criteria provided, single submitter. Criteria: Invitae Variant Classification Sherloc (09022015). Collection method: clinical testing. Allele origin: germline.
Comment: This sequence change creates a premature translational stop signal (p.Glu250*) in the TBX20 gene. It is expected to result in an absent or disrupted protein product. Loss-of-function variants in TBX20 are known to be pathogenic (PMID: 15901664, 25625280, 26118961, 27510170). This variant is not present in population databases (gnomAD no frequency). This variant has not been reported in the literature in individuals affected with TBX20-related conditions. ClinVar contains an entry for this variant (Variation ID: 2068981). For these reasons, this variant has been classified as Pathogenic.

Literature cited by the submitters: PubMed 15901664; PubMed 25625280; PubMed 26118961; PubMed 27510170.